The following is an entry in ClinVar:

NM_032447.5(FBN3):c.5590A>G (p.Ile1864Val)

Gene: FBN3 (fibrillin 3; minus strand). Cytogenetic location: 19p13.2.
Variant type: single nucleotide variant.
Coding change: c.5590A>G on transcript NM_032447.5 (MANE Select); coding-DNA position 5590, A replaced by G.
Protein change: p.Ile1864Val; replaces isoleucine 1864 with valine.
Molecular consequence: missense variant.
Genome position (GRCh38, 1-based): chr19:8,096,030, T>C on the plus strand (A>G on the coding strand, the complement: FBN3 is on the minus strand). VCF-style: chr19-8096030-T-C. GRCh37 (hg19) VCF-style: chr19-8160914-T-C.
Other names: c.5590A>G, p.Ile1864Val (NM_001321431.2); short protein forms I1864V.
Identifiers: ClinVar variation 4752997 (VCV004752997.1).
Genomic context (GRCh38, chr19:8,096,030, plus strand): 5'-AATCCCCATTGTGTGTCACCACAAAGCCAGGGAAGCAGAGGCAGTTGTAGGAGCCAATGA[T>C]GTTCTTGCAGGTCCCATTTCCACAAGGCTGCCGGTCACACTCGTCAATGTCTGCAGAAGC-3'
Protein context (NP_115823.3, residues 1854-1874): QPCGNGTCKN[Ile1864Val]IGSYNCLCFP

ClinVar aggregate classification (germline): Uncertain significance (1 of 4 stars; one submission).

Submission:

Labcorp Genetics (formerly Invitae), Labcorp
Classification: Uncertain significance. Last evaluated: 2025-12-16. Review status: criteria provided, single submitter. Criteria: Invitae Variant Classification Sherloc (09022015). Collection method: clinical testing. Allele origin: germline.
Comment: This sequence change replaces isoleucine, which is neutral and non-polar, with valine, which is neutral and non-polar, at codon 1864 of the FBN3 protein (p.Ile1864Val). This variant is present in population databases (no rsID available, gnomAD 0.003%). This variant has not been reported in the literature in individuals affected with FBN3-related conditions. Invitae Evidence Modeling of protein sequence and biophysical properties (such as structural, functional, and spatial information, amino acid conservation, physicochemical variation, residue mobility, and thermodynamic stability) indicates that this missense variant is not expected to disrupt FBN3 protein function with a negative predictive value of 80%. In summary, the available evidence is currently insufficient to determine the role of this variant in disease. Therefore, it has been classified as a Variant of Uncertain Significance.